The following is an entry in ClinVar:

ClinVar aggregate classification (germline): Uncertain significance. Review status: criteria provided, multiple submitters, no conflicts (2 of 4 stars). 2 submissions from 2 submitters: Uncertain significance (2). Last evaluated 2024-03-05.

Conditions:
Inborn genetic diseases. Identifiers: MedGen C0950123, MeSH D030342.

Submissions (2):

Ambry Genetics
Classification: Uncertain significance for Inborn genetic diseases. Last evaluated: 2024-03-05. Review status: criteria provided, single submitter. Criteria: Ambry Variant Classification Scheme 2023. Collection method: clinical testing. Allele origin: germline.

GeneDx
Classification: Uncertain significance. Last evaluated: 2021-06-22. Review status: criteria provided, single submitter. Criteria: GeneDx Variant Classification Process June 2021. Collection method: clinical testing. Allele origin: germline. Affected: yes.
Comment: Not observed at significant frequency in large population cohorts (Lek et al., 2016); In silico analysis supports that this missense variant has a deleterious effect on protein structure/function; Has not been previously published as pathogenic or benign to our knowledge; This variant is associated with the following publications: (PMID: 27535533)

NM_001081550.2(THOC2):c.4336C>T (p.Pro1446Ser)

Gene: THOC2 (THO complex subunit 2; minus strand). Cytogenetic location: Xq25.
Variant type: single nucleotide variant.
Coding change: c.4336C>T on transcript NM_001081550.2 (MANE Select); coding-DNA position 4336, C replaced by T.
Protein change: p.Pro1446Ser; replaces proline 1446 with serine.
Molecular consequence: missense variant.
Genome position (GRCh38, 1-based): chrX:123,614,165, G>A on the plus strand (C>T on the coding strand, the complement: THOC2 is on the minus strand). VCF-style: chrX-123614165-G-A. GRCh37 (hg19) VCF-style: chrX-122748016-G-A.
Other names: short protein forms P1446S.
Identifiers: ClinVar variation 1329531 (VCV001329531.3), dbSNP rs2147550641, ClinGen allele CA414261886.